The following is an entry in ClinVar:

NM_000138.5(FBN1):c.2627G>T (p.Cys876Phe)

Gene: FBN1 (fibrillin 1; minus strand). Cytogenetic location: 15q21.1.
Variant type: single nucleotide variant.
Coding change: c.2627G>T on transcript NM_000138.5 (MANE Select); coding-DNA position 2627, G replaced by T.
Protein change: p.Cys876Phe; replaces cysteine 876 with phenylalanine.
Molecular consequence: missense variant.
Genome position (GRCh38, 1-based): chr15:48,495,173, C>A on the plus strand (G>T on the coding strand, the complement: FBN1 is on the minus strand). VCF-style: chr15-48495173-C-A. GRCh37 (hg19) VCF-style: chr15-48787370-C-A.
Other names: short protein forms C876F.
Identifiers: ClinVar variation 828129 (VCV000828129.5), dbSNP rs794728193, ClinGen allele CA392332305.
Genomic context (GRCh38, chr15:48,495,173, plus strand): 5'-TTTCTCTTACCAACTTGGCATAGGGTGCACGGGCTTCCCCACGCAGCACCGAGGGAGGAG[C>A]AGCACTGGGACTTTAAGGTGGCTCCATTGATGTTGATCTCACATCGCCCATCAATGACAG-3'
Protein context (NP_000129.3, residues 866-886): INGATLKSQC[Cys876Phe]SSLGAAWGSP

ClinVar aggregate classification (germline): Pathogenic/Likely pathogenic. Review status: criteria provided, multiple submitters, no conflicts (2 of 4 stars). 3 submissions from 3 submitters: Pathogenic (1); Likely pathogenic (1). 1 of the submissions does not count toward it. Last evaluated 2020-06-09.

Conditions:
Familial thoracic aortic aneurysm and aortic dissection (TAAD). Also called: Thoracic aortic aneurysms and dissections. Identifiers: Orphanet 91387, MedGen C4707243, MONDO:0019625.
Marfan syndrome (MFS). Also called: FBN1-Related Marfan Syndrome; Marfan's syndrome; MARFAN SYNDROME, TYPE I; Marfan syndrome type 1; Marfan syndrome, classic. Identifiers: Orphanet 284963, Orphanet 558, MedGen C0024796, MONDO:0007947, OMIM 154700.

Submissions (3):

CHEO Genetics Diagnostic Laboratory, Children's Hospital of Eastern Ontario
Classification: Likely pathogenic for Familial thoracic aortic aneurysm and aortic dissection. Last evaluated: 2020-06-09. Review status: criteria provided, single submitter. Criteria: ACMG Guidelines, 2015. Collection method: clinical testing. Allele origin: germline.

Juno Genomics, Hangzhou Juno Genomics, Inc
Classification: Pathogenic for Marfan syndrome. Review status: criteria provided, single submitter. Criteria: ACMG Guidelines, 2015. Collection method: clinical testing. Allele origin: germline. Affected: yes.
Comment: Absent from controls (or at extremely low frequency if recessive) in Genome Aggregation Database, Exome Sequencing Project, 1000 Genomes Project, or Exome Aggregation Consortium.;The prevalence of the variant in affected individuals is significantly increased compared to the prevalence in controls.;Patient's phenotype or family history is highly specific for a disease with a single genetic etiology.;Novel missense change at an amino acid residue where a different missense change determined to be pathogenic has been seen before.;Missense variant in a gene that has a low rate of benign missense variation and where missense variants are a common mechanism of disease.;Multiple lines of computational evidence support a deleterious effect on the gene or gene product (conservation, evolutionary, splicing impact, etc).

Biochemical Molecular Genetic Laboratory, King Abdulaziz Medical City
Classification: Likely pathogenic for Marfan syndrome. Last evaluated: 2020-02-05. Review status: no assertion criteria provided. Collection method: clinical testing. Allele origin: germline. Affected: yes. Not counted in ClinVar's aggregate classification.